The following is an entry in ClinVar:

ClinVar aggregate classification (germline): Likely benign. Review status: criteria provided, multiple submitters, no conflicts (2 of 4 stars). 2 submissions from 2 submitters: Likely benign (2). Last evaluated 2026-01-22.

Conditions:
Infantile neuroaxonal dystrophy (NBIA2A). Also called: NEURODEGENERATION WITH BRAIN IRON ACCUMULATION 2A; Infantile neuroaxonal dystrophy 1; SEITELBERGER DISEASE. Identifiers: Orphanet 35069, MedGen C0270724, MONDO:0024457, OMIM 256600.

Allele frequency attached by ClinVar (database versions not stated): gnomAD exomes 0.00003; ExAC 0.00004; gnomAD 0.00007; ESP Exome Variant Server 0.00008.

Submissions (2):

Labcorp Genetics (formerly Invitae), Labcorp
Classification: Likely benign for Infantile neuroaxonal dystrophy. Last evaluated: 2026-01-22. Review status: criteria provided, single submitter. Criteria: Invitae Variant Classification Sherloc (09022015). Collection method: clinical testing. Allele origin: germline.

CeGaT Center for Human Genetics Tuebingen
Classification: Likely benign. Last evaluated: 2024-11-01. Review status: criteria provided, single submitter. Criteria: CeGaT Center For Human Genetics Tuebingen Variant Classification Criteria Version 2. Collection method: clinical testing. Allele origin: germline. Affected: yes. Observed: 1 variant allele.
Comment: PLA2G6: BP4, BP7

NM_003560.4(PLA2G6):c.804G>A (p.Ala268=)

Gene: PLA2G6 (phospholipase A2 group VI; minus strand). Cytogenetic location: 22q13.1.
Variant type: single nucleotide variant.
Coding change: c.804G>A on transcript NM_003560.4 (MANE Select); coding-DNA position 804, G replaced by A.
Protein change: p.Ala268=; no amino-acid change (alanine 268 retained).
Molecular consequence: synonymous variant.
Genome position (GRCh38, 1-based): chr22:38,135,078, C>T on the plus strand (G>A on the coding strand, the complement: PLA2G6 is on the minus strand). VCF-style: chr22-38135078-C-T. GRCh37 (hg19) VCF-style: chr22-38531085-C-T.
Other names: c.804G>A, p.Ala268= (NM_001004426.3, NM_001199562.3, NM_001349864.2 and 2 more transcripts); c.270G>A, p.Ala90= (NM_001349867.2, NM_001349869.2); c.126G>A, p.Ala42= (NM_001349868.2).
Identifiers: ClinVar variation 1161678 (VCV001161678.23), dbSNP rs149216110, ClinGen allele CA10231132.